The following is an entry in ClinVar:

ClinVar aggregate classification (germline): Uncertain significance (1 of 4 stars; one submission).

Conditions:
Congenital myasthenic syndrome 10. Also called: Myasthenia, limb-girdle, familial. Identifiers: Orphanet 590, MedGen C1850792, MONDO:0009690, OMIM 254300.
Fetal akinesia deformation sequence 1 (FADS1). Also called: Pena-Shokeir syndrome type I; Fetal akinesia sequence. Identifiers: Orphanet 994, MedGen C1276035, MONDO:0100101, OMIM 208150, HP:0001989.

Allele frequency attached by ClinVar (database versions not stated): gnomAD exomes 0.00002; ExAC 0.00004; ESP Exome Variant Server 0.00008.
gnomAD v4.1: 39 of 1,612,102 alleles (0.0024%); highest among the groups gnomAD compares: Non-Finnish European, 0.0027%; no homozygotes.

Submission:

Labcorp Genetics (formerly Invitae), Labcorp
Classification: Uncertain significance for Congenital myasthenic syndrome 10; Fetal akinesia deformation sequence 1. Last evaluated: 2022-07-25. Review status: criteria provided, single submitter. Criteria: Invitae Variant Classification Sherloc (09022015). Collection method: clinical testing. Allele origin: germline.
Comment: This sequence change replaces alanine, which is neutral and non-polar, with threonine, which is neutral and polar, at codon 283 of the DOK7 protein (p.Ala283Thr). This variant is present in population databases (rs139429423, gnomAD 0.01%). This variant has not been reported in the literature in individuals affected with DOK7-related conditions. ClinVar contains an entry for this variant (Variation ID: 1056541). Algorithms developed to predict the effect of missense changes on protein structure and function output the following: SIFT: "Tolerated"; PolyPhen-2: "Benign"; Align-GVGD: "Class C0". The threonine amino acid residue is found in multiple mammalian species, which suggests that this missense change does not adversely affect protein function. In summary, the available evidence is currently insufficient to determine the role of this variant in disease. Therefore, it has been classified as a Variant of Uncertain Significance.

NM_173660.5(DOK7):c.847G>A (p.Ala283Thr)

Gene: DOK7 (docking protein 7; plus strand). Cytogenetic location: 4p16.3.
Variant type: single nucleotide variant.
Coding change: c.847G>A on transcript NM_173660.5 (MANE Select); coding-DNA position 847, G replaced by A.
Protein change: p.Ala283Thr; replaces alanine 283 with threonine.
Molecular consequence: missense variant. On other transcripts: 3 prime UTR variant (1), 5 prime UTR variant (1).
Genome position (GRCh38, 1-based): chr4:3,492,833, G>A. VCF-style: chr4-3492833-G-A. GRCh37 (hg19) VCF-style: chr4-3494560-G-A.
Other names: c.*68G>A (NM_001164673.2); c.-84G>A (NM_001256896.2); c.847G>A, p.Ala283Thr (NM_001301071.2); c.415G>A, p.Ala139Thr (NM_001363811.2); short protein forms A139T, A283T.
Identifiers: ClinVar variation 1056541 (VCV001056541.4), dbSNP rs139429423, ClinGen allele CA2829250.
Genomic context (GRCh38, chr4:3,492,833, plus strand): 5'-CTGTCCAGCTCATCCTCAGAGGCCAGTCACTTGGACGTCAGCGCCAGCAGCCGGCTCACC[G>A]CATGGCCAGAGCAATCCTCGTCGTCAGCCAGCACGTCACAGGAGGGGCCTAGACCAGCAG-3'
Protein context (NP_775931.3, residues 273-293): LDVSASSRLT[Ala283Thr]WPEQSSSSAS